The following is an entry in ClinVar:

NM_001379270.1(CNGA1):c.1416G>T (p.Lys472Asn)

Genes: CNGA1 (cyclic nucleotide gated channel subunit alpha 1; minus strand), LOC101927157 (uncharacterized LOC101927157; plus strand). Cytogenetic location: 4p12.
Variant type: single nucleotide variant.
Coding change: c.1416G>T on transcript NM_001379270.1 (MANE Select); coding-DNA position 1416, G replaced by T.
Protein change: p.Lys472Asn; replaces lysine 472 with asparagine.
Molecular consequence: missense variant.
Genome position (GRCh38, 1-based): chr4:47,937,066, C>A on the plus strand (G>T on the coding strand, the complement: CNGA1 is on the minus strand). VCF-style: chr4-47937066-C-A. GRCh37 (hg19) VCF-style: chr4-47939083-C-A.
Other names: c.1416G>T, p.Lys472Asn (NM_000087.5, NM_001142564.2); short protein forms K472N.
Identifiers: ClinVar variation 1999294 (VCV001999294.4), dbSNP rs369602927, ClinGen allele CA2911081.

ClinVar aggregate classification (germline): Uncertain significance (1 of 4 stars; one submission).

Allele frequency attached by ClinVar (database versions not stated): gnomAD 0.00002; TOPMed 0.00004; ESP Exome Variant Server 0.00008.
gnomAD v4.1: 6 of 1,614,012 alleles (0.00037%); highest among the groups gnomAD compares: African/African-American, 0.0067%; no homozygotes.

Submission:

Labcorp Genetics (formerly Invitae), Labcorp
Classification: Uncertain significance. Last evaluated: 2024-11-11. Review status: criteria provided, single submitter. Criteria: Invitae Variant Classification Sherloc (09022015). Collection method: clinical testing. Allele origin: germline.
Comment: This sequence change replaces lysine, which is basic and polar, with asparagine, which is neutral and polar, at codon 476 of the CNGA1 protein (p.Lys476Asn). This variant is present in population databases (rs369602927, gnomAD 0.01%). This variant has not been reported in the literature in individuals affected with CNGA1-related conditions. ClinVar contains an entry for this variant (Variation ID: 1999294). Invitae Evidence Modeling of protein sequence and biophysical properties (such as structural, functional, and spatial information, amino acid conservation, physicochemical variation, residue mobility, and thermodynamic stability) has been performed for this missense variant. However, the output from this modeling did not meet the statistical confidence thresholds required to predict the impact of this variant on CNGA1 protein function. In summary, the available evidence is currently insufficient to determine the role of this variant in disease. Therefore, it has been classified as a Variant of Uncertain Significance.